The following is an entry in ClinVar:

ClinVar aggregate classification (germline): Uncertain significance. Review status: criteria provided, multiple submitters, no conflicts (2 of 4 stars). 6 submissions from 6 submitters: Uncertain significance (6). Last evaluated 2026-09-15.

Conditions:
Epidermolysis bullosa simplex 5C, with pyloric atresia (EBS5C). Also called: PLEC-Related Epidermolysis Bullosa with Pyloric Atresia; Epidermolysis bullosa simplex with pyloric atresia; PLEC1-Related Epidermolysis Bullosa with Pyloric Atresia. Identifiers: Orphanet 158684, MedGen C2677349, MONDO:0012807, OMIM 612138.
Epidermolysis bullosa simplex 5B, with muscular dystrophy (EBS5B). Also called: EPIDERMOLYSIS BULLOSA SIMPLEX AND LIMB-GIRDLE MUSCULAR DYSTROPHY; Epidermolysis bullosa simplex with muscular dystrophy. Identifiers: Orphanet 257, MedGen C2931072, MONDO:0009181, OMIM 226670.
Autosomal recessive limb-girdle muscular dystrophy type 2Q (LGMDR17). Also called: MUSCULAR DYSTROPHY, LIMB-GIRDLE, AUTOSOMAL RECESSIVE 17. Identifiers: Orphanet 254361, MedGen C3150989, MONDO:0013390, OMIM 613723.
Epidermolysis bullosa simplex with nail dystrophy (EBS5D). Identifiers: MedGen C4225309, MONDO:0014661, OMIM 616487.
Epidermolysis bullosa simplex, Ogna type (EBS5A). Also called: Pidermolysis bullosa simplex 5A, Ogna type; EPIDERMOLYSIS BULLOSA SIMPLEX 5A, OGNA TYPE. Identifiers: Orphanet 79401, MedGen C0432317, MONDO:0007555, OMIM 131950.
PLEC-related disorder. Also called: PLEC-related disorders; PLEC-related condition.
Inborn genetic diseases. Identifiers: MedGen C0950123, MeSH D030342.

Allele frequency attached by ClinVar (database versions not stated): gnomAD exomes 0.00009 and 0.00014; TOPMed 0.00012; ExAC 0.00014; gnomAD 0.00014 and 0.00015; ESP Exome Variant Server 0.00017; 1000 Genomes Project 30x 0.00031; 1000 Genomes Project 0.00040.
gnomAD v4.1: 152 of 1,601,816 alleles (0.0095%); highest among the groups gnomAD compares: Non-Finnish European, 0.01%; no homozygotes.

Submissions (6):

PreventionGenetics, part of Exact Sciences
Classification: Uncertain significance for PLEC-related condition. Last evaluated: 2026-09-15. Review status: criteria provided, single submitter. Criteria: ACMG Guidelines, 2015. Collection method: clinical testing. Allele origin: germline.
Comment: The PLEC c.3374C>T variant is predicted to result in the amino acid substitution p.Thr1125Met. To our knowledge, this variant has not been reported in the literature. This variant is reported in 0.019% of alleles in individuals of European (Non-Finnish) descent in gnomAD. At this time, the clinical significance of this variant is uncertain due to the absence of conclusive functional and genetic evidence.

CeGaT Center for Human Genetics Tuebingen
Classification: Uncertain significance. Last evaluated: 2026-03-01. Review status: criteria provided, single submitter. Criteria: CeGaT Center For Human Genetics Tuebingen Variant Classification Criteria Version 2. Collection method: clinical testing. Allele origin: germline. Affected: yes. Observed: 2 variant alleles.
Comment: PLEC: PM2

Labcorp Genetics (formerly Invitae), Labcorp
Classification: Uncertain significance for Autosomal recessive limb-girdle muscular dystrophy type 2Q; Epidermolysis bullosa simplex, Ogna type; Epidermolysis bullosa simplex with nail dystrophy; Epidermolysis bullosa simplex 5C, with pyloric atresia; Epidermolysis bullosa simplex 5B, with muscular dystrophy. Last evaluated: 2026-01-21. Review status: criteria provided, single submitter. Criteria: Invitae Variant Classification Sherloc (09022015). Collection method: clinical testing. Allele origin: germline.
Comment: This sequence change replaces threonine, which is neutral and polar, with methionine, which is neutral and non-polar, at codon 1125 of the PLEC protein (p.Thr1125Met). This variant is present in population databases (rs377368835, gnomAD 0.02%). This missense change has been observed in individual(s) with clinical features of limb-girdle muscular dystrophy (internal data). ClinVar contains an entry for this variant (Variation ID: 493486). Invitae Evidence Modeling of protein sequence and biophysical properties (such as structural, functional, and spatial information, amino acid conservation, physicochemical variation, residue mobility, and thermodynamic stability) has been performed for this missense variant. However, the output from this modeling did not meet the statistical confidence thresholds required to predict the impact of this variant on PLEC protein function. In summary, the available evidence is currently insufficient to determine the role of this variant in disease. Therefore, it has been classified as a Variant of Uncertain Significance.

Revvity Omics, Revvity
Classification: Uncertain significance. Last evaluated: 2024-10-09. Review status: criteria provided, single submitter. Criteria: ACMG Guidelines, 2015. Collection method: clinical testing. Allele origin: germline.

Ambry Genetics
Classification: Uncertain significance for Inborn genetic diseases. Last evaluated: 2024-01-30. Review status: criteria provided, single submitter. Criteria: Ambry Variant Classification Scheme 2023. Collection method: clinical testing. Allele origin: germline.

Eurofins Ntd Llc (ga)
Classification: Uncertain significance. Last evaluated: 2018-06-21. Review status: criteria provided, single submitter. Criteria: EGL ClinVar v180209 classification definitions. Collection method: clinical testing. Allele origin: germline. Observed: 2 variant alleles, 2 heterozygotes.

NM_201384.3(PLEC):c.3293C>T (p.Thr1098Met)

Gene: PLEC (plectin; minus strand). Cytogenetic location: 8q24.3.
Variant type: single nucleotide variant.
Coding change: c.3293C>T on transcript NM_201384.3 (MANE Select); coding-DNA position 3293, C replaced by T.
Protein change: p.Thr1098Met; replaces threonine 1098 with methionine.
Molecular consequence: missense variant.
Genome position (GRCh38, 1-based): chr8:143,927,960, G>A on the plus strand (C>T on the coding strand, the complement: PLEC is on the minus strand). VCF-style: chr8-143927960-G-A. GRCh37 (hg19) VCF-style: chr8-145002128-G-A.
Other names: c.3374C>T, p.Thr1125Met (NM_000445.5); c.3251C>T, p.Thr1084Met (NM_201378.4); c.3227C>T, p.Thr1076Met (NM_201379.3); c.3704C>T, p.Thr1235Met (NM_201380.4); c.3197C>T, p.Thr1066Met (NM_201381.3); c.3293C>T, p.Thr1098Met (NM_201382.4); c.3305C>T, p.Thr1102Met (NM_201383.3); c.3374C>T (NM_000445.3); short protein forms T1066M, T1076M, T1084M, T1098M, T1102M, T1125M, T1235M.
Identifiers: ClinVar variation 493486 (VCV000493486.59), dbSNP rs377368835, ClinGen allele CA4927132.
Genomic context (GRCh38, chr8:143,927,960, plus strand): 5'-ACGGCCTGGGCCTCCTTGAGCTGCTCCTCGTGGGCCCTGAGCACCTCCTCGGCCCCCTGC[G>A]TGCCGCGGATCACCAGGCTGATGGTCTTGAGCCTGGCGGGAAAGCGGGGCTCAGGGCCAT-3'
Protein context (NP_958786.1, residues 1088-1108): LKTISLVIRG[Thr1098Met]QGAEEVLRAH